The following is an entry in ClinVar:

ClinVar aggregate classification (germline): Benign. Review status: criteria provided, multiple submitters, no conflicts (2 of 4 stars). 12 submissions from 11 submitters: Benign (10). 2 of the submissions do not count toward it. Last evaluated 2026-02-04.

Conditions:
Laron-type isolated somatotropin defect. Also called: Laron Syndrome; Growth hormone binding protein deficiency or dysfunction; Growth hormone receptor deficiency or dysfunction; Laron dwarfism; Laron type pituitary dwarfism I; GROWTH HORMONE RECEPTOR DEFICIENCY. Identifiers: Orphanet 633, MedGen C0271568, MONDO:0009877, OMIM 262500.
Short stature due to partial GHR deficiency. Also called: GROWTH HORMONE INSENSITIVITY, PARTIAL; Growth hormone, insensitivity to, partial; GROWTH HORMONE DEFICIENCY, ISOLATED PARTIAL. Identifiers: MONDO:0011420, OMIM 604271, Orphanet 314802, Orphanet 314811, MedGen C1858656.

Allele frequency attached by ClinVar (database versions not stated): ESP Exome Variant Server 0.63386; 1000 Genomes Project 30x 0.63523; gnomAD 0.64137 and 0.64834; 1000 Genomes Project 0.64157; TOPMed 0.64187; ExAC 0.71216; gnomAD exomes 0.71737 and 0.72057.
gnomAD v4.1: 1,138,242 of 1,596,728 alleles (71%); highest among the groups gnomAD compares: East Asian, 87%; 410,555 homozygotes.

Submissions (12):

Labcorp Genetics (formerly Invitae), Labcorp
Classification: Benign. Last evaluated: 2026-02-04. Review status: criteria provided, single submitter. Criteria: Invitae Variant Classification Sherloc (09022015). Collection method: clinical testing. Allele origin: germline.

Blueprint Genetics
Classification: Benign. Last evaluated: 2024-11-26. Review status: criteria provided, single submitter. Criteria: ACMG Guidelines, 2015. Collection method: clinical testing. Allele origin: germline.

Genome-Nilou Lab
Classification: Benign for Short stature due to partial GHR deficiency. Last evaluated: 2021-08-10. Review status: criteria provided, single submitter. Criteria: ACMG Guidelines, 2015. Collection method: clinical testing. Allele origin: germline. Affected: no.

Genome-Nilou Lab
Classification: Benign for Laron-type isolated somatotropin defect. Last evaluated: 2021-08-10. Review status: criteria provided, single submitter. Criteria: ACMG Guidelines, 2015. Collection method: clinical testing. Allele origin: germline. Affected: no.

GeneDx
Classification: Benign. Last evaluated: 2018-11-21. Review status: criteria provided, single submitter. Criteria: GeneDx Variant Classification Process June 2021. Collection method: clinical testing. Allele origin: germline. Affected: yes.

Illumina Laboratory Services, Illumina
Classification: Benign for Laron-type isolated somatotropin defect. Last evaluated: 2018-01-12. Review status: criteria provided, single submitter. Criteria: ICSL Variant Classification Criteria 13 December 2019. Collection method: clinical testing. Allele origin: germline.
Comment: This variant was observed in the ICSL laboratory as part of a predisposition screen in an ostensibly healthy population. It had not been previously curated by ICSL or reported in the Human Gene Mutation Database (HGMD: prior to June 1st, 2018), and was therefore a candidate for classification through an automated scoring system. Utilizing variant allele frequency, disease prevalence and penetrance estimates, and inheritance mode, an automated score was calculated to assess if this variant is too frequent to cause the disease. Based on the score and internal cut-off values, a variant classified as benign is not then subjected to further curation. The score for this variant resulted in a classification of benign for this disease.

Athena Diagnostics
Classification: Benign for Laron-type isolated somatotropin defect. Last evaluated: 2017-06-29. Review status: criteria provided, single submitter. Criteria: Athena Diagnostics Criteria. Collection method: clinical testing. Allele origin: germline.

Eurofins Ntd Llc (ga)
Classification: Benign. Last evaluated: 2014-06-30. Review status: criteria provided, single submitter. Criteria: EGL Classification Definitions 2015. Collection method: clinical testing. Allele origin: germline. Observed: 8 variant alleles, 3 heterozygotes, 5 homozygotes.

Breakthrough Genomics
Classification: Benign. Review status: criteria provided, single submitter. Criteria: ACMG Guidelines, 2015. Collection method: not provided. Allele origin: germline. Inheritance: Autosomal recessive inheritance. Affected: yes.

PreventionGenetics, part of Exact Sciences
Classification: Benign. Review status: criteria provided, single submitter. Criteria: ACMG Guidelines, 2015. Collection method: clinical testing. Allele origin: germline.

Clinical Genetics DNA and cytogenetics Diagnostics Lab, Erasmus MC, Erasmus Medical Center
Classification: Benign. Review status: no assertion criteria provided. Collection method: clinical testing. Allele origin: germline. Affected: yes. Study: VKGL Data-share Consensus. Not counted in ClinVar's aggregate classification.

Diagnostic Laboratory, Department of Genetics, University Medical Center Groningen
Classification: Benign. Review status: no assertion criteria provided. Collection method: clinical testing. Allele origin: germline. Affected: yes. Study: VKGL Data-share Consensus. Not counted in ClinVar's aggregate classification.

NM_000163.5(GHR):c.558A>G (p.Gly186=)

Gene: GHR (growth hormone receptor; plus strand). Cytogenetic location: 5p12.
Variant type: single nucleotide variant.
Coding change: c.558A>G on transcript NM_000163.5 (MANE Select); coding-DNA position 558, A replaced by G.
Protein change: p.Gly186=; no amino-acid change (glycine 186 retained).
Molecular consequence: synonymous variant.
Genome position (GRCh38, 1-based): chr5:42,699,942, A>G. VCF-style: chr5-42699942-A-G. GRCh37 (hg19) VCF-style: chr5-42700044-A-G.
Other names: c.579A>G, p.Gly193= (NM_001242399.2); c.558A>G, p.Gly186= (NM_001242400.2, NM_001242401.4, NM_001242402.2 and 5 more transcripts); c.492A>G, p.Gly164= (NM_001242460.2).
Identifiers: ClinVar variation 198051 (VCV000198051.27), dbSNP rs6179, ClinGen allele CA203206.